The following is an entry in ClinVar:

NM_000492.4(CFTR):c.1414A>T (p.Met472Leu)

Genes: CFTR (CF transmembrane conductance regulator; plus strand), CFTR-AS1 (CFTR antisense RNA 1; minus strand). Cytogenetic location: 7q31.2.
Variant type: single nucleotide variant.
Coding change: c.1414A>T on transcript NM_000492.4 (MANE Select); coding-DNA position 1414, A replaced by T.
Protein change: p.Met472Leu; replaces methionine 472 with leucine.
Molecular consequence: missense variant.
Genome position (GRCh38, 1-based): chr7:117,559,485, A>T. VCF-style: chr7-117559485-A-T. GRCh37 (hg19) VCF-style: chr7-117199539-A-T.
Other names: short protein forms M472L.
Identifiers: ClinVar variation 3832604 (VCV003832604.1).

ClinVar aggregate classification (germline): Uncertain significance (1 of 4 stars; one submission).

Conditions:
Cystic fibrosis (CF). Also called: MUCOVISCIDOSIS. Identifiers: Orphanet 586, MedGen C0010674, MONDO:0009061, OMIM 219700. Disease mechanism: loss of function.

Submission:

Ambry Genetics
Classification: Uncertain significance for Cystic fibrosis. Last evaluated: 2025-02-27. Review status: criteria provided, single submitter. Criteria: Ambry Variant Classification Scheme 2023. Collection method: clinical testing. Allele origin: germline.
Comment: The p.M472L variant (also known as c.1414A>T), located in coding exon 11 of the CFTR gene, results from an A to T substitution at nucleotide position 1414. The methionine at codon 472 is replaced by leucine, an amino acid with highly similar properties. This amino acid position is conserved. In addition, the in silico prediction for this alteration is inconclusive. Based on the available evidence, the clinical significance of this variant remains unclear.